The following is an entry in ClinVar:

ClinVar aggregate classification (germline): Conflicting classifications of pathogenicity. Review status: criteria provided, conflicting classifications (1 of 4 stars). 5 submissions from 4 submitters: Uncertain significance (3); Benign (1); Likely benign (1). Last evaluated 2026-05-01.

Conditions:
Alpha-N-acetylgalactosaminidase deficiency type 1. Also called: SCHINDLER DISEASE, TYPE I; ALPHA-N-ACETYLGALACTOSAMINIDASE DEFICIENCY, TYPE I; NAGA DEFICIENCY, TYPE I; NEUROAXONAL DYSTROPHY, SCHINDLER TYPE. Identifiers: Orphanet 3137, Orphanet 79279, Orphanet 79281, MedGen C1836544, MONDO:0012221, OMIM 609241.
Alpha-N-acetylgalactosaminidase deficiency type 2. Also called: ALPHA-N-ACETYLGALACTOSAMINIDASE DEFICIENCY, TYPE II; NAGA DEFICIENCY, TYPE II; SCHINDLER DISEASE, TYPE II. Identifiers: Orphanet 3137, Orphanet 79280, MedGen C1836522, MONDO:0012222, OMIM 609242.

Allele frequency attached by ClinVar (database versions not stated): 1000 Genomes Project 0.00020; TOPMed 0.00029; ESP Exome Variant Server 0.00031; 1000 Genomes Project 30x 0.00016.

Submissions (5):

CeGaT Center for Human Genetics Tuebingen
Classification: Likely benign. Last evaluated: 2026-05-01. Review status: criteria provided, single submitter. Criteria: CeGaT Center For Human Genetics Tuebingen Variant Classification Criteria Version 2. Collection method: clinical testing. Allele origin: germline. Affected: yes. Observed: 2 variant alleles.
Comment: NAGA: BP4

Labcorp Genetics (formerly Invitae), Labcorp
Classification: Benign for Alpha-N-acetylgalactosaminidase deficiency type 1. Last evaluated: 2026-02-04. Review status: criteria provided, single submitter. Criteria: Invitae Variant Classification Sherloc (09022015). Collection method: clinical testing. Allele origin: germline.

Women's Health and Genetics/Laboratory Corporation of America, LabCorp
Classification: Uncertain significance. Last evaluated: 2020-05-11. Review status: criteria provided, single submitter. Criteria: LabCorp Variant Classification Summary - May 2015. Collection method: clinical testing. Allele origin: germline.
Comment: Variant summary: NAGA c.406G>A (p.Asp136Asn) results in a conservative amino acid change in the encoded protein sequence. Four of five in-silico tools predict a benign effect of the variant on protein function. The variant allele was found at a frequency of 0.0007 in 282862 control chromosomes, predominantly at a frequency of 0.014 within the Ashkenazi Jewish subpopulation in the gnomAD database, including 1 homozygote. Since the clinical phenotype associated with alpha-N-acetylgalactosaminidase deficiency varies vastly, from asymptomatic to severe infantile form of the disease, even in individuals with the same genotype (see e.g. PMID: 31468281), this relatively high frequency and a single homozygous occurrence in controls might not exclude the association of this variant with disease. To our knowledge, no occurrence of c.406G>A in individuals affected with Kanzaki Disease and no experimental evidence demonstrating its impact on protein function have been reported. Two clinical diagnostic laboratories have submitted clinical-significance assessments for this variant to ClinVar after 2014 without evidence for independent evaluation. One laboratory classified the variant as benign, and one laboratory classified the variant as uncertain significance. Based on the evidence outlined above, until further evidence becomes available, the variant was classified as uncertain significance.

Illumina Laboratory Services, Illumina
Classification: Uncertain significance for Alpha-N-acetylgalactosaminidase deficiency type 2. Last evaluated: 2018-01-13. Review status: criteria provided, single submitter. Criteria: ICSL Variant Classification Criteria 13 December 2019. Collection method: clinical testing. Allele origin: germline.

Illumina Laboratory Services, Illumina
Classification: Uncertain significance for Alpha-N-acetylgalactosaminidase deficiency type 1. Last evaluated: 2018-01-13. Review status: criteria provided, single submitter. Criteria: ICSL Variant Classification Criteria 13 December 2019. Collection method: clinical testing. Allele origin: germline.

NM_000262.3(NAGA):c.406G>A (p.Asp136Asn)

Genes: NAGA (alpha-N-acetylgalactosaminidase; minus strand), LOC126863160 (CDK7 strongly-dependent group 2 enhancer GRCh37_chr22:42462918-42464117; plus strand). Cytogenetic location: 22q13.2.
Variant type: single nucleotide variant.
Coding change: c.406G>A on transcript NM_000262.3 (MANE Select); coding-DNA position 406, G replaced by A.
Protein change: p.Asp136Asn; replaces aspartic acid 136 with asparagine.
Molecular consequence: missense variant.
Genome position (GRCh38, 1-based): chr22:42,067,209, C>T on the plus strand (G>A on the coding strand, the complement: NAGA is on the minus strand). VCF-style: chr22-42067209-C-T. GRCh37 (hg19) VCF-style: chr22-42463213-C-T.
Other names: c.406G>A, p.Asp136Asn (NM_001362848.1, NM_001362850.1); short protein forms D136N.
Identifiers: ClinVar variation 341911 (VCV000341911.18), dbSNP rs186173534, ClinGen allele CA10263832.